The following is an entry in ClinVar:

NM_003000.3(SDHB):c.523del (p.Glu175fs)

Gene: SDHB (succinate dehydrogenase complex iron sulfur subunit B; minus strand). Cytogenetic location: 1p36.13.
Variant type: Deletion.
Coding change: c.523del on transcript NM_003000.3 (MANE Select); coding-DNA position 523, one base deleted (G; older notation c.523delG).
Protein change: p.Glu175fs; shifts the reading frame from glutamic acid 175.
Molecular consequence: frameshift variant.
Genome position (GRCh38, 1-based): chr1:17,027,766, C deleted on the plus strand (G on the coding strand, the reverse complement: SDHB is on the minus strand). VCF-style (leftmost placement, unchanged base first): chr1-17027765-TC-T. GRCh37 (hg19) VCF-style: chr1-17354260-TC-T.
Other names: c.469del, p.Glu157fs (NM_001407361.1); short protein forms E175fs, E157fs.
Identifiers: ClinVar variation 3316895 (VCV003316895.1).

ClinVar aggregate classification (germline): Pathogenic (1 of 4 stars; one submission).

Conditions:
Hereditary cancer-predisposing syndrome. Also called: Neoplastic Syndromes, Hereditary; Tumor predisposition; Hereditary neoplastic syndrome; Hereditary Cancer Syndrome. Identifiers: Orphanet 140162, MedGen C0027672, MeSH D009386, MONDO:0015356.

Submission:

Ambry Genetics
Classification: Pathogenic for Hereditary cancer-predisposing syndrome. Last evaluated: 2024-05-24. Review status: criteria provided, single submitter. Criteria: Ambry Variant Classification Scheme 2023. Collection method: clinical testing. Allele origin: germline.
Comment: The c.523delG pathogenic mutation, located in coding exon 5 of the SDHB gene, results from a deletion of one nucleotide at nucleotide position 523, causing a translational frameshift with a predicted alternate stop codon (p.E175Kfs*45). This variant is considered to be rare based on population cohorts in the Genome Aggregation Database (gnomAD). This alteration is expected to result in loss of function by premature protein truncation or nonsense-mediated mRNA decay. As such, this alteration is interpreted as a disease-causing mutation.